The following is an entry in ClinVar:

ClinVar aggregate classification (germline): Uncertain significance. Review status: criteria provided, multiple submitters, no conflicts (2 of 4 stars). 2 submissions from 2 submitters: Uncertain significance (2). Last evaluated 2025-09-15.

Conditions:
Inborn genetic diseases. Identifiers: MedGen C0950123, MeSH D030342.
Familial sleep-related hypermotor epilepsy. Also called: Autosomal Dominant Sleep-Related Hypermotor (Hyperkinetic) Epilepsy. Identifiers: Orphanet 98784, MedGen C3696898, MONDO:0000030.

gnomAD v4.1: 2 of 1,614,158 alleles (0.00012%); highest among the groups gnomAD compares: African/African-American, 0.0027%; no homozygotes.

Submissions (2):

Labcorp Genetics (formerly Invitae), Labcorp
Classification: Uncertain significance. Last evaluated: 2025-09-15. Review status: criteria provided, single submitter. Criteria: Invitae Variant Classification Sherloc (09022015). Collection method: clinical testing. Allele origin: germline.
Comment: This sequence change replaces valine, which is neutral and non-polar, with leucine, which is neutral and non-polar, at codon 284 of the CHRNA2 protein (p.Val284Leu). This variant is not present in population databases (gnomAD no frequency). This variant has not been reported in the literature in individuals affected with CHRNA2-related conditions. ClinVar contains an entry for this variant (Variation ID: 3833183). Invitae Evidence Modeling of protein sequence and biophysical properties (such as structural, functional, and spatial information, amino acid conservation, physicochemical variation, residue mobility, and thermodynamic stability) indicates that this missense variant is not expected to disrupt CHRNA2 protein function with a negative predictive value of 80%. In summary, the available evidence is currently insufficient to determine the role of this variant in disease. Therefore, it has been classified as a Variant of Uncertain Significance.

Ambry Genetics
Classification: Uncertain significance for Inborn genetic diseases. Last evaluated: 2025-02-25. Review status: criteria provided, single submitter. Criteria: Ambry Variant Classification Scheme 2023. Collection method: clinical testing. Allele origin: germline.

NM_000742.4(CHRNA2):c.850G>T (p.Val284Leu)

Gene: CHRNA2 (cholinergic receptor nicotinic alpha 2 subunit; minus strand). Cytogenetic location: 8p21.2.
Variant type: single nucleotide variant.
Coding change: c.850G>T on transcript NM_000742.4 (MANE Select); coding-DNA position 850, G replaced by T.
Protein change: p.Val284Leu; replaces valine 284 with leucine.
Molecular consequence: missense variant.
Genome position (GRCh38, 1-based): chr8:27,463,593, C>A on the plus strand (G>T on the coding strand, the complement: CHRNA2 is on the minus strand). VCF-style: chr8-27463593-C-A. GRCh37 (hg19) VCF-style: chr8-27321110-C-A.
Other names: c.805G>T, p.Val269Leu (NM_001282455.2); c.373G>T, p.Val125Leu (NM_001347705.2, NM_001347706.2); c.256G>T, p.Val86Leu (NM_001347707.2, NM_001347708.2); short protein forms V269L, V125L, V284L, V86L.
Identifiers: ClinVar variation 3833183 (VCV003833183.2).